The following is an entry in ClinVar:

ClinVar aggregate classification (germline): Uncertain significance (1 of 4 stars; one submission).

Conditions:
46,XY sex reversal 6. Also called: 46,XY GONADAL DYSGENESIS, PARTIAL OR COMPLETE, MAP3K1-RELATED; 46,XY SEX REVERSAL, PARTIAL OR COMPLETE, MAP3K1-RELATED. Identifiers: MedGen C3151064, MONDO:0013410, OMIM 613762.

gnomAD v4.1: 4 of 1,613,924 alleles (0.00025%); highest among the groups gnomAD compares: South Asian, 0.0022%; no homozygotes.

Submission:

Labcorp Genetics (formerly Invitae), Labcorp
Classification: Uncertain significance for 46,XY sex reversal 6. Last evaluated: 2023-05-05. Review status: criteria provided, single submitter. Criteria: Invitae Variant Classification Sherloc (09022015). Collection method: clinical testing. Allele origin: germline.
Comment: This variant is present in population databases (no rsID available, gnomAD 0.006%). In summary, the available evidence is currently insufficient to determine the role of this variant in disease. Therefore, it has been classified as a Variant of Uncertain Significance. Advanced modeling of protein sequence and biophysical properties (such as structural, functional, and spatial information, amino acid conservation, physicochemical variation, residue mobility, and thermodynamic stability) performed at Invitae indicates that this missense variant is not expected to disrupt MAP3K1 protein function. This variant has not been reported in the literature in individuals affected with MAP3K1-related conditions. This sequence change replaces arginine, which is basic and polar, with histidine, which is basic and polar, at codon 179 of the MAP3K1 protein (p.Arg179His).

NM_005921.2(MAP3K1):c.536G>A (p.Arg179His)

Gene: MAP3K1 (mitogen-activated protein kinase kinase kinase 1; plus strand). Cytogenetic location: 5q11.2.
Variant type: single nucleotide variant.
Coding change: c.536G>A on transcript NM_005921.2 (MANE Select); coding-DNA position 536, G replaced by A.
Protein change: p.Arg179His; replaces arginine 179 with histidine.
Molecular consequence: missense variant.
Genome position (GRCh38, 1-based): chr5:56,856,653, G>A. VCF-style: chr5-56856653-G-A. GRCh37 (hg19) VCF-style: chr5-56152480-G-A.
Other names: short protein forms R179H.
Identifiers: ClinVar variation 3011067 (VCV003011067.3), dbSNP rs1446304905, ClinGen allele CA359802077.